The following is an entry in ClinVar:

NM_001365536.1(SCN9A):c.5171G>C (p.Ser1724Thr)

Genes: SCN9A (sodium voltage-gated channel alpha subunit 9; minus strand), SCN1A-AS1 (SCN1A and SCN9A antisense RNA 1; plus strand). Cytogenetic location: 2q24.3.
Variant type: single nucleotide variant.
Coding change: c.5171G>C on transcript NM_001365536.1 (MANE Select); coding-DNA position 5171, G replaced by C.
Protein change: p.Ser1724Thr; replaces serine 1724 with threonine.
Molecular consequence: missense variant.
Genome position (GRCh38, 1-based): chr2:166,199,468, C>G on the plus strand (G>C on the coding strand, the complement: SCN9A is on the minus strand). VCF-style: chr2-166199468-C-G. GRCh37 (hg19) VCF-style: chr2-167055978-C-G.
Other names: c.5138G>C, p.Ser1713Thr (NM_002977.4); short protein forms S1713T, S1724T.
Identifiers: ClinVar variation 1717056 (VCV001717056.6), dbSNP rs200266625, ClinGen allele CA1943718.
Genomic context (GRCh38, chr2:166,199,468, plus strand): 5'-ATATAACTAACAAAGTAGAATATTCCAACAGATGGGTTACCACAGTCTCCTTCAACTGAA[C>G]TTCCAGGATGAACTTTTTTTGGGTCACAGTCGGGTGGCTTACTGTTAAGAATAGGTGCTA-3'
Protein context (NP_001352465.1, residues 1714-1734): DCDPKKVHPG[Ser1724Thr]SVEGDCGNPS

ClinVar aggregate classification (germline): Uncertain significance (1 of 4 stars; one submission).

Conditions:
Generalized epilepsy with febrile seizures plus, type 7 (GEFSP7). Also called: GEFS+, TYPE 7. Identifiers: Orphanet 36387, MedGen C2751778, MONDO:0013470, OMIM 613863.
Neuropathy, hereditary sensory and autonomic, type 2A (HSAN2A). Also called: ACROOSTEOLYSIS, GIACCAI TYPE; ACROOSTEOLYSIS, NEUROGENIC; WNK1-Related HSAN2 (HSAN2A); HSAN IIA; MORVAN DISEASE; NEUROPATHY, CONGENITAL SENSORY. Identifiers: Orphanet 970, MedGen C2752089, MONDO:0024309, OMIM 201300.

Allele frequency attached by ClinVar (database versions not stated): ExAC 0.00001; gnomAD 0.00001; gnomAD exomes 0.00001.
gnomAD v4.1: 5 of 1,614,068 alleles (0.00031%); highest among the groups gnomAD compares: Non-Finnish European, 0.00042%; no homozygotes.

Submission:

Labcorp Genetics (formerly Invitae), Labcorp
Classification: Uncertain significance for Neuropathy, hereditary sensory and autonomic, type 2A; Generalized epilepsy with febrile seizures plus, type 7. Last evaluated: 2024-04-16. Review status: criteria provided, single submitter. Criteria: Invitae Variant Classification Sherloc (09022015). Collection method: clinical testing. Allele origin: germline.
Comment: This sequence change replaces serine, which is neutral and polar, with threonine, which is neutral and polar, at codon 1713 of the SCN9A protein (p.Ser1713Thr). This variant is present in population databases (rs200266625, gnomAD 0.002%). This variant has not been reported in the literature in individuals affected with SCN9A-related conditions. ClinVar contains an entry for this variant (Variation ID: 1717056). Advanced modeling of protein sequence and biophysical properties (such as structural, functional, and spatial information, amino acid conservation, physicochemical variation, residue mobility, and thermodynamic stability) has been performed at Invitae for this missense variant, however the output from this modeling did not meet the statistical confidence thresholds required to predict the impact of this variant on SCN9A protein function. In summary, the available evidence is currently insufficient to determine the role of this variant in disease. Therefore, it has been classified as a Variant of Uncertain Significance.